The following is an entry in ClinVar:

GRCh37/hg19 16p11.2(chr16:29432212-30339520)x1

Genes: ALDOA (aldolase, fructose-bisphosphate A; plus strand), ASPHD1 (aspartate beta-hydroxylase domain containing 1; plus strand), BOLA2 (bolA family member 2; minus strand), BOLA2B (bolA family member 2B; minus strand), C16orf54 (chromosome 16 open reading frame 54; minus strand) and 28 more. Cytogenetic location: 16p11.2.
Variant type: copy number loss.
Change: copy number 1 (one copy instead of two) of chr16:29,432,212-30,339,520 (907.3 kb, GRCh37 coordinates, 1-based), cytogenetic band 16p11.2.
Identifiers: ClinVar variation 564320 (VCV000564320.5).

ClinVar aggregate classification (germline): Pathogenic (1 of 4 stars; one submission).

Submission:

Quest Diagnostics Nichols Institute San Juan Capistrano
Classification: Pathogenic. Last evaluated: 2024-05-29. Review status: criteria provided, single submitter. Criteria: ACMG/ClinGen CNV Guidelines, 2019. Collection method: clinical testing. Allele origin: unknown.
Comment: This copy number loss is consistent with the proximal (BP4-BP5) 16p11.2 recurrent region (OMIM 611913; ISCA-37400), haploinsufficiency of which is associated with neurodevelopmental issues, obesity, and variable congenital malformations (Taylor 2021). Therefore, this copy number variant is classified as pathogenic. References: Taylor et al., GeneReviews [Internet]. [2021 Oct 28]. PMID: 20301776